The following is an entry in ClinVar:

NM_001164508.2(NEB):c.13123G>T (p.Glu4375Ter)

Gene: NEB (nebulin; minus strand). Cytogenetic location: 2q23.3.
Variant type: single nucleotide variant.
Coding change: c.13123G>T on transcript NM_001164508.2 (MANE Select); coding-DNA position 13123, G replaced by T.
Protein change: p.Glu4375Ter; replaces glutamic acid 4375 with a stop codon.
Molecular consequence: nonsense. On other transcripts: intron variant (1).
Genome position (GRCh38, 1-based): chr2:151,603,709, C>A on the plus strand (G>T on the coding strand, the complement: NEB is on the minus strand). VCF-style: chr2-151603709-C-A. GRCh37 (hg19) VCF-style: chr2-152460223-C-A.
Other names: c.13123G>T, p.Glu4375Ter (NM_001164507.2, NM_001271208.2); c.11601+6100G>T (NM_004543.5); short protein forms E4375*.
Identifiers: ClinVar variation 2863869 (VCV002863869.3), dbSNP rs2097569950, ClinGen allele CA348772425.

ClinVar aggregate classification (germline): Pathogenic (1 of 4 stars; one submission).

Conditions:
Nemaline myopathy 2 (NEM2). Also called: Nemaline myopathy 2, autosomal recessive. Identifiers: MedGen C1850569, MONDO:0009725, OMIM 256030.

Submission:

Labcorp Genetics (formerly Invitae), Labcorp
Classification: Pathogenic for Nemaline myopathy 2. Last evaluated: 2023-05-13. Review status: criteria provided, single submitter. Criteria: Invitae Variant Classification Sherloc (09022015). Collection method: clinical testing. Allele origin: germline.
Comment: This variant occurs in a region of NEB (Exons 82-105) consisting of three highly homologous 8-exon repeat units (exons 82-89, exons 90-97, exons 98-105). Sequence variants in this region can be detected, but this assay cannot determine which of the three repeat units is affected, and zygosity is often ambiguous. All variants in this region are reported relative to the exon 82-89 repeat. This sequence change creates a premature translational stop signal (p.Glu4375*) in the NEB gene. It is expected to result in an absent or disrupted protein product. Loss-of-function variants in NEB are known to be pathogenic (PMID: 25205138). The frequency data for this variant in the population databases (gnomAD) is considered unreliable due to the presence of homologous sequence, such as pseudogenes or paralogs, in the genome. This variant has not been reported in the literature in individuals affected with NEB-related conditions. For these reasons, this variant has been classified as Pathogenic.

Literature cited by the submitters: PubMed 25205138.